The following is an entry in ClinVar:

NM_020937.4(FANCM):c.1614C>G (p.Asn538Lys)

Gene: FANCM (FA complementation group M; plus strand). Cytogenetic location: 14q21.2.
Variant type: single nucleotide variant.
Coding change: c.1614C>G on transcript NM_020937.4 (MANE Select); coding-DNA position 1614, C replaced by G.
Protein change: p.Asn538Lys; replaces asparagine 538 with lysine.
Molecular consequence: missense variant.
Genome position (GRCh38, 1-based): chr14:45,164,391, C>G. VCF-style: chr14-45164391-C-G. GRCh37 (hg19) VCF-style: chr14-45633594-C-G.
Other names: c.1536C>G, p.Asn512Lys (NM_001308133.2); c.1614C>G, p.Asn538Lys (NM_001308134.2); short protein forms N512K, N538K.
Identifiers: ClinVar variation 3512915 (VCV003512915.1).

ClinVar aggregate classification (germline): Uncertain significance (1 of 4 stars; one submission).

Conditions:
Inborn genetic diseases. Identifiers: MedGen C0950123, MeSH D030342.

Submission:

Ambry Genetics
Classification: Uncertain significance for Inborn genetic diseases. Last evaluated: 2024-11-23. Review status: criteria provided, single submitter. Criteria: Ambry Variant Classification Scheme 2023. Collection method: clinical testing. Allele origin: germline.
Comment: The p.N538K variant (also known as c.1614C>G), located in coding exon 10 of the FANCM gene, results from a C to G substitution at nucleotide position 1614. The asparagine at codon 538 is replaced by lysine, an amino acid with similar properties. This amino acid position is conserved. In addition, this alteration is predicted to be tolerated by in silico analysis. Based on the available evidence, the clinical significance of this variant remains unclear.